The following is an entry in ClinVar:

NM_002691.4(POLD1):c.2985_2988dup (p.Gly997fs)

Gene: POLD1 (DNA polymerase delta 1, catalytic subunit; plus strand). Cytogenetic location: 19q13.33.
Variant type: Duplication.
Coding change: c.2985_2988dup on transcript NM_002691.4 (MANE Select); coding-DNA positions 2985 to 2988, 4 bases duplicated (CACG; older notation c.2985_2988dupCACG).
Protein change: p.Gly997fs; shifts the reading frame from glycine 997.
Molecular consequence: frameshift variant. On other transcripts: non-coding transcript variant (1).
Genome position (GRCh38, 1-based): chr19:50,416,641-50,416,644, CACG duplicated. VCF-style (leftmost placement, unchanged base first): chr19-50416640-T-TCACG. GRCh37 (hg19) VCF-style: chr19-50919897-T-TCACG.
Other names: c.2985_2988dup, p.Gly997fs (NM_001256849.1); c.3063_3066dup, p.Gly1023fs (NM_001308632.1); short protein forms G997fs, G1023fs.
Identifiers: ClinVar variation 2012045 (VCV002012045.4), dbSNP rs2514068955, ClinGen allele CA2580097841.

ClinVar aggregate classification (germline): Uncertain significance (1 of 4 stars; one submission).

Conditions:
POLD1-related polyposis and colorectal cancer syndrome (CRCS10). Also called: Colorectal cancer 10; COLORECTAL CANCER, SUSCEPTIBILITY TO, ON CHROMOSOME 19q; Colorectal cancer, susceptibility to, 10. Identifiers: Orphanet 220460, MedGen C2675481, MONDO:0012953, OMIM 612591.

Submission:

Labcorp Genetics (formerly Invitae), Labcorp
Classification: Uncertain significance for POLD1-related polyposis and colorectal cancer syndrome. Last evaluated: 2022-07-07. Review status: criteria provided, single submitter. Criteria: Invitae Variant Classification Sherloc (09022015). Collection method: clinical testing. Allele origin: germline.
Comment: This sequence change creates a premature translational stop signal (p.Gly997Hisfs*32) in the POLD1 gene. Missense variants that disrupt the 3'-5' exonuclease (proof-reading) activity of the POLD1 protein are associated with an increased risk for colonic adenomatous polyps and colon cancer (PMID: 23263490, 23447401). However, loss-of-function variants that result in an absent or severely disrupted POLD1 protein, and missense variants outside the exonuclease domain, are unlikely to be associated with polyposis or colon cancer. This variant is not present in population databases (gnomAD no frequency). This variant has not been reported in the literature in individuals affected with POLD1-related conditions. In summary, the available evidence is currently insufficient to determine the role of this variant in disease. Therefore, it has been classified as a Variant of Uncertain Significance.

Literature cited by the submitters: PubMed 23263490; PubMed 23447401.